The following is an entry in ClinVar:

ClinVar aggregate classification (germline): Uncertain significance (1 of 4 stars; one submission).

Conditions:
Coffin-Siris syndrome. Identifiers: Orphanet 1465, MedGen C0265338, MONDO:0015452.

Allele frequency attached by ClinVar (database versions not stated): TOPMed 0.00009; gnomAD exomes 0.00010 and 0.00014; ExAC 0.00015.
gnomAD v4.1: 160 of 1,575,438 alleles (0.01%); highest among the groups gnomAD compares: Non-Finnish European, 0.011%; no homozygotes.

Submission:

Broad Center for Mendelian Genomics, Broad Institute of MIT and Harvard
Classification: Uncertain significance for Coffin-Siris syndrome. Last evaluated: 2020-11-16. Review status: criteria provided, single submitter. Criteria: ACMG Guidelines, 2015. Collection method: curation. Allele origin: germline. Inheritance: Autosomal recessive inheritance.
Comment: The heterozygous p.Cys161Tyr variant in KDM8 was identified by our study in the compound heterozygous state, along with another variant of uncertain significance, in 2 siblings with Coffin-Siris like phenotype and Silver-Russell syndrome like phenotype (short stature, normal head circumference, peculiar face). The variant has not been previously reported in individuals with short stature, normal head circumference, peculiar face and has been identified in 0.06% (5/7590) of Ashkenazi Jewish chromosomes by the Genome Aggregation Database (gnomAD; dbSNP rs201012033). Although this variant has been seen in the general population in a heterozygous state, its frequency is not high enough to rule out a pathogenic role. Computational prediction tools and conservation analyses suggest that this variant may impact the protein, though this information is not predictive enough to determine pathogenicity. Finally, although this gene has been reported in association with Coffin-Siris like phenotype and Silver-Russell syndrome like phenotype (short stature, normal head circumference, peculiar face), it currently has limited evidence for these associations. In summary, the clinical significance of the variant is uncertain. ACMG/AMP Criteria applied: PP3 (Richards 2015).

NM_024773.3(KDM8):c.368G>A (p.Cys123Tyr)

Gene: KDM8 (lysine demethylase 8; plus strand). Cytogenetic location: 16p12.1.
Variant type: single nucleotide variant.
Coding change: c.368G>A on transcript NM_024773.3 (MANE Select); coding-DNA position 368, G replaced by A.
Protein change: p.Cys123Tyr; replaces cysteine 123 with tyrosine.
Molecular consequence: missense variant.
Genome position (GRCh38, 1-based): chr16:27,210,491, G>A. VCF-style: chr16-27210491-G-A. GRCh37 (hg19) VCF-style: chr16-27221812-G-A.
Other names: c.482G>A, p.Cys161Tyr (NM_001145348.2); short protein forms C123Y, C161Y.
Identifiers: ClinVar variation 986392 (VCV000986392.1), dbSNP rs201012033, ClinGen allele CA7973402.
Genomic context (GRCh38, chr16:27,210,491, plus strand): 5'-CCCTGTGTCTGTGCCAGGCACCTGAGGATGCCAACACTGTGGCCGCAGCCCTGCGGGTCT[G>A]TGACATGGGCCTGCTGATGGGGGCAGCCATCCTGGGGGACATCCTTCTTAAAGTCGCTGC-3'
Protein context (NP_079049.2, residues 113-133): ANTVAAALRV[Cys123Tyr]DMGLLMGAAI